The following is an entry in ClinVar:

NM_004104.5(FASN):c.6262A>G (p.Met2088Val)

Gene: FASN (fatty acid synthase; minus strand). Cytogenetic location: 17q25.3.
Variant type: single nucleotide variant.
Coding change: c.6262A>G on transcript NM_004104.5 (MANE Select); coding-DNA position 6262, A replaced by G.
Protein change: p.Met2088Val; replaces methionine 2088 with valine.
Molecular consequence: missense variant.
Genome position (GRCh38, 1-based): chr17:82,081,745, T>C on the plus strand (A>G on the coding strand, the complement: FASN is on the minus strand). VCF-style: chr17-82081745-T-C. GRCh37 (hg19) VCF-style: chr17-80039621-T-C.
Other names: short protein forms M2088V.
Identifiers: ClinVar variation 936480 (VCV000936480.9), dbSNP rs767993316, ClinGen allele CA8851351.

ClinVar aggregate classification (germline): Uncertain significance (1 of 4 stars; one submission).

Conditions:
Epileptic encephalopathy. Identifiers: MedGen C0543888, HP:0200134.

Allele frequency attached by ClinVar (database versions not stated): gnomAD exomes below 0.00001; ExAC 0.00001; gnomAD 0.00001.
gnomAD v4.1: 3 of 1,612,590 alleles (0.00019%); highest among the groups gnomAD compares: African/African-American, 0.0027%; no homozygotes.

Submission:

Labcorp Genetics (formerly Invitae), Labcorp
Classification: Uncertain significance for Epileptic encephalopathy. Last evaluated: 2022-07-26. Review status: criteria provided, single submitter. Criteria: Invitae Variant Classification Sherloc (09022015). Collection method: clinical testing. Allele origin: germline.
Comment: ClinVar contains an entry for this variant (Variation ID: 936480). In summary, the available evidence is currently insufficient to determine the role of this variant in disease. Therefore, it has been classified as a Variant of Uncertain Significance. Algorithms developed to predict the effect of missense changes on protein structure and function output the following: SIFT: "Tolerated"; PolyPhen-2: "Benign"; Align-GVGD: "Class C0". The valine amino acid residue is found in multiple mammalian species, which suggests that this missense change does not adversely affect protein function. This variant has not been reported in the literature in individuals affected with FASN-related conditions. This variant is present in population databases (rs767993316, gnomAD 0.0009%). This sequence change replaces methionine, which is neutral and non-polar, with valine, which is neutral and non-polar, at codon 2088 of the FASN protein (p.Met2088Val).